The following is an entry in ClinVar:

ClinVar aggregate classification (germline): Uncertain significance (1 of 4 stars; one submission).

Conditions:
GGNBP2-related disorder. Also called: GGNBP2-related condition.

gnomAD v4.1: 1 of 1,608,202 alleles (0.000062%); highest among the groups gnomAD compares: Admixed American, 0.0017%; no homozygotes.

Submission:

PreventionGenetics, part of Exact Sciences
Classification: Uncertain significance for GGNBP2-related condition. Last evaluated: 2026-05-31. Review status: criteria provided, single submitter. Criteria: ACMG Guidelines, 2015. Collection method: clinical testing. Allele origin: germline.
Comment: The GGNBP2 c.1325C>T variant is predicted to result in the amino acid substitution p.Pro442Leu. To our knowledge, this variant has not been reported in the literature or in a large population database (gnomAD), indicating this variant is rare. At this time, the clinical significance of this variant is uncertain due to the absence of conclusive functional and genetic evidence.

NM_024835.5(GGNBP2):c.1325C>T (p.Pro442Leu)

Gene: GGNBP2 (gametogenetin binding protein 2; plus strand). Cytogenetic location: 17q12.
Variant type: single nucleotide variant.
Coding change: c.1325C>T on transcript NM_024835.5 (MANE Select); coding-DNA position 1325, C replaced by T.
Protein change: p.Pro442Leu; replaces proline 442 with leucine.
Molecular consequence: missense variant.
Genome position (GRCh38, 1-based): chr17:36,585,409, C>T. VCF-style: chr17-36585409-C-T. GRCh37 (hg19) VCF-style: chr17-34941839-C-T.
Other names: short protein forms P442L.
Identifiers: ClinVar variation 4993335 (VCV004993335.1).